The following is an entry in ClinVar:

ClinVar aggregate classification (germline): Uncertain significance (1 of 4 stars; one submission).

Conditions:
POLD1-related polyposis and colorectal cancer syndrome (CRCS10). Also called: Colorectal cancer 10; COLORECTAL CANCER, SUSCEPTIBILITY TO, ON CHROMOSOME 19q; Colorectal cancer, susceptibility to, 10. Identifiers: Orphanet 220460, MedGen C2675481, MONDO:0012953, OMIM 612591.

Submission:

Labcorp Genetics (formerly Invitae), Labcorp
Classification: Uncertain significance for POLD1-related polyposis and colorectal cancer syndrome. Last evaluated: 2022-03-10. Review status: criteria provided, single submitter. Criteria: Invitae Variant Classification Sherloc (09022015). Collection method: clinical testing. Allele origin: germline.
Comment: In summary, the available evidence is currently insufficient to determine the role of this variant in disease. Therefore, it has been classified as a Variant of Uncertain Significance. Algorithms developed to predict the effect of missense changes on protein structure and function output the following: SIFT: "Tolerated"; PolyPhen-2: "Benign"; Align-GVGD: "Class C0". The isoleucine amino acid residue is found in multiple mammalian species, which suggests that this missense change does not adversely affect protein function. This variant has not been reported in the literature in individuals affected with POLD1-related conditions. This variant is not present in population databases (gnomAD no frequency). This sequence change replaces valine, which is neutral and non-polar, with isoleucine, which is neutral and non-polar, at codon 296 of the POLD1 protein (p.Val296Ile).

NM_002691.4(POLD1):c.886G>A (p.Val296Ile)

Gene: POLD1 (DNA polymerase delta 1, catalytic subunit; plus strand). Cytogenetic location: 19q13.33.
Variant type: single nucleotide variant.
Coding change: c.886G>A on transcript NM_002691.4 (MANE Select); coding-DNA position 886, G replaced by A.
Protein change: p.Val296Ile; replaces valine 296 with isoleucine.
Molecular consequence: missense variant. On other transcripts: non-coding transcript variant (1).
Genome position (GRCh38, 1-based): chr19:50,402,657, G>A. VCF-style: chr19-50402657-G-A. GRCh37 (hg19) VCF-style: chr19-50905914-G-A.
Other names: c.886G>A, p.Val296Ile (NM_001256849.1, NM_001308632.1); short protein forms V296I.
Identifiers: ClinVar variation 2108440 (VCV002108440.4), dbSNP rs2122257203, ClinGen allele CA406976892.